The following is an entry in ClinVar:

ClinVar aggregate classification (germline): Uncertain significance (1 of 4 stars; one submission).

Conditions:
Inborn genetic diseases. Identifiers: MedGen C0950123, MeSH D030342.

Submission:

Ambry Genetics
Classification: Uncertain significance for Inborn genetic diseases. Last evaluated: 2024-07-26. Review status: criteria provided, single submitter. Criteria: Ambry Variant Classification Scheme 2023. Collection method: clinical testing. Allele origin: germline.
Comment: The p.R1368L variant (also known as c.4103G>T), located in coding exon 22 of the ATR gene, results from a G to T substitution at nucleotide position 4103. The arginine at codon 1368 is replaced by leucine, an amino acid with dissimilar properties. This amino acid position is conserved. In addition, this alteration is predicted to be deleterious by in silico analysis. Based on the available evidence, the clinical significance of this variant remains unclear.

NM_001184.4(ATR):c.4103G>T (p.Arg1368Leu)

Gene: ATR (ATR serine/threonine kinase; minus strand). Cytogenetic location: 3q23.
Variant type: single nucleotide variant.
Coding change: c.4103G>T on transcript NM_001184.4 (MANE Select); coding-DNA position 4103, G replaced by T.
Protein change: p.Arg1368Leu; replaces arginine 1368 with leucine.
Molecular consequence: missense variant.
Genome position (GRCh38, 1-based): chr3:142,524,042, C>A on the plus strand (G>T on the coding strand, the complement: ATR is on the minus strand). VCF-style: chr3-142524042-C-A. GRCh37 (hg19) VCF-style: chr3-142242884-C-A.
Other names: c.3911G>T, p.Arg1304Leu (NM_001354579.2); short protein forms R1304L, R1368L.
Identifiers: ClinVar variation 3462466 (VCV003462466.1).